The following is an entry in ClinVar:

NM_001267550.2(TTN):c.78385G>T (p.Asp26129Tyr)

Genes: TTN (titin; minus strand), TTN-AS1 (TTN antisense RNA 1; plus strand). Cytogenetic location: 2q31.2.
Variant type: single nucleotide variant.
Coding change: c.78385G>T on transcript NM_001267550.2 (MANE Select); coding-DNA position 78385, G replaced by T.
Protein change: p.Asp26129Tyr; replaces aspartic acid 26129 with tyrosine.
Molecular consequence: missense variant.
Genome position (GRCh38, 1-based): chr2:178,567,747, C>A on the plus strand (G>T on the coding strand, the complement: TTN is on the minus strand). VCF-style: chr2-178567747-C-A. GRCh37 (hg19) VCF-style: chr2-179432474-C-A.
Other names: p.D24488Y:GAT>TAT; c.73462G>T, p.Asp24488Tyr (NM_001256850.1); c.51190G>T, p.Asp17064Tyr (NM_003319.4); c.70681G>T, p.Asp23561Tyr (NM_133378.4); c.51565G>T, p.Asp17189Tyr (NM_133432.3); c.51766G>T, p.Asp17256Tyr (NM_133437.4); short protein forms D24488Y, D26129Y, D17189Y, D17064Y, D17256Y, D23561Y.
Identifiers: ClinVar variation 202888 (VCV000202888.3), dbSNP rs199814673, ClinGen allele CA310596.

ClinVar aggregate classification (germline): Uncertain significance. Review status: criteria provided, multiple submitters, no conflicts (2 of 4 stars). 2 submissions from 2 submitters: Uncertain significance (2). Last evaluated 2026-06-26.

Conditions:
TTN-related disorder. Also called: TTN-related condition; TTN-related disease; TTN-related disorders.

Allele frequency attached by ClinVar (database versions not stated): gnomAD 0.00002 and 0.00003; TOPMed 0.00004; gnomAD exomes 0.00008 and 0.00010; ESP Exome Variant Server 0.00017; ExAC 0.00018.
gnomAD v4.1: 65 of 1,612,862 alleles (0.004%); highest among the groups gnomAD compares: Non-Finnish European, 0.0041%; no homozygotes.

Submissions (2):

PreventionGenetics, part of Exact Sciences
Classification: Uncertain significance for TTN-related condition. Last evaluated: 2026-06-26. Review status: criteria provided, single submitter. Criteria: ACMG Guidelines, 2015. Collection method: clinical testing. Allele origin: germline.
Comment: The TTN c.78385G>T variant is predicted to result in the amino acid substitution p.Asp26129Tyr. To our knowledge, this variant has not been reported in the literature. This variant is reported in 0.020% of alleles in individuals of European (Non-Finnish) descent in gnomAD. At this time, the clinical significance of this variant is uncertain due to the absence of conclusive functional and genetic evidence.

GeneDx
Classification: Uncertain significance. Last evaluated: 2014-03-10. Review status: criteria provided, single submitter. Criteria: GeneDx Variant Classification (06012015). Collection method: clinical testing. Allele origin: germline. Affected: yes.
Comment: Missense variants in the TTN gene are considered 'unclassified' if they are not previously reported in the literature and do not have >1% frequency in the population to be considered a polymorphism. Research indicates that truncating mutations in the TTN gene are expected to account for approximately 25% of familial and 18% of sporadic idiopathic DCM; however, truncating variants in the TTN gene have been reported in approximately 3% of reported control alleles. There has been little investigation into non-truncating variants. (Herman D et al. Truncations of titin causing dilated cardiomyopathy. N Eng J Med 366:619-628, 2012) The variant is found in CARDIOMYOPATHY panel(s).